The following is an entry in ClinVar:

NM_017780.4(CHD7):c.8077-4C>G

Gene: CHD7 (chromodomain helicase DNA binding protein 7; plus strand). Cytogenetic location: 8q12.2.
Variant type: single nucleotide variant.
Coding change: c.8077-4C>G on transcript NM_017780.4 (MANE Select); 4 bases into the intron before coding-DNA position 8077, C replaced by G.
Molecular consequence: intron variant.
Genome position (GRCh38, 1-based): chr8:60,865,012, C>G. VCF-style: chr8-60865012-C-G. GRCh37 (hg19) VCF-style: chr8-61777571-C-G.
Other names: c.1930-4C>G (NM_001316690.1).
Identifiers: ClinVar variation 1761883 (VCV001761883.2), dbSNP rs1307065439, ClinGen allele CA582403634.

ClinVar aggregate classification (germline): Uncertain significance (1 of 4 stars; one submission).

Conditions:
Inborn genetic diseases. Identifiers: MedGen C0950123, MeSH D030342.

Allele frequency attached by ClinVar (database versions not stated): gnomAD exomes 0.00001.
gnomAD v4.1: 7 of 1,587,050 alleles (0.00044%); highest among the groups gnomAD compares: Non-Finnish European, 0.0006%; no homozygotes.

Submission:

Ambry Genetics
Classification: Uncertain significance for Inborn genetic diseases. Last evaluated: 2017-07-17. Review status: criteria provided, single submitter. Criteria: Ambry Variant Classification Scheme 2023. Collection method: clinical testing. Allele origin: germline.
Comment: The c.8077-4C>G intronic variant results from a C to G substitution 4 nucleotides upstream from coding exon 37 in the CHD7 gene. This nucleotide position is not well conserved in available vertebrate species. Using the BDGP and ESEfinder splice site prediction tools, this alteration is not predicted to have any significant effect on this splice acceptor site; however, direct evidence is unavailable. Since supporting evidence is limited at this time, the clinical significance of this alteration remains unclear.